The following is an entry in ClinVar:

NM_000059.4(BRCA2):c.7751G>A (p.Gly2584Asp)

Gene: BRCA2 (BRCA2 DNA repair associated; plus strand). Cytogenetic location: 13q13.1.
Variant type: single nucleotide variant.
Coding change: c.7751G>A on transcript NM_000059.4 (MANE Select); coding-DNA position 7751, G replaced by A.
Protein change: p.Gly2584Asp; replaces glycine 2584 with aspartic acid.
Molecular consequence: missense variant.
Genome position (GRCh38, 1-based): chr13:32,357,875, G>A. VCF-style: chr13-32357875-G-A. GRCh37 (hg19) VCF-style: chr13-32932012-G-A.
Other names: short protein forms G2584D.
Identifiers: ClinVar variation 52398 (VCV000052398.21), dbSNP rs80359001, ClinGen allele CA025256.
Genomic context (GRCh38, chr13:32,357,875, plus strand): 5'-CTGAAGATTATTTTGGTAAGGAAAGTTTATGGACTGGAAAAGGAATACAGTTGGCTGATG[G>A]TGGATGGCTCATACCCTCCAATGATGGAAAGGCTGGAAAAGAAGAATTTTATAGGTACTC-3'
Protein context (NP_000050.3, residues 2574-2594): WTGKGIQLAD[Gly2584Asp]GWLIPSNDGK

ClinVar aggregate classification (germline): Conflicting classifications of pathogenicity. Review status: criteria provided, conflicting classifications (1 of 4 stars). 8 submissions from 8 submitters: Uncertain significance (3); Likely benign (4). 1 of the submissions does not count toward it. Last evaluated 2025-10-09.

Conditions:
Hereditary breast ovarian cancer syndrome. Also called: Hereditary breast and ovarian cancer syndrome; Hereditary breast and ovarian cancer; Hereditary breast and ovarian cancer syndrome (HBOC); Breast and ovarian cancer; Hereditary breast and/or ovarian cancer syndrome; BRCA1- and BRCA2-Associated Hereditary Breast and Ovarian Cancer. Identifiers: Orphanet 145, MedGen C0677776, MeSH D061325, MONDO:0003582. Disease mechanism: loss of function.
Hereditary cancer-predisposing syndrome. Also called: Neoplastic Syndromes, Hereditary; Tumor predisposition; Hereditary neoplastic syndrome; Hereditary Cancer Syndrome. Identifiers: Orphanet 140162, MedGen C0027672, MeSH D009386, MONDO:0015356.
Breast-ovarian cancer, familial, susceptibility to, 2 (BROVCA2). Also called: BRCA2 Hereditary Breast and Ovarian Cancer. Identifiers: Orphanet 145, MedGen C2675520, MONDO:0012933, OMIM 612555. Disease mechanism: loss of function.

Allele frequency attached by ClinVar (database versions not stated): gnomAD exomes below 0.00001 and 0.00001; TOPMed below 0.00001; ExAC 0.00001; ESP Exome Variant Server 0.00008.
gnomAD v4.1: 6 of 1,614,116 alleles (0.00037%); highest among the groups gnomAD compares: Non-Finnish European, 0.00051%; no homozygotes.

Submissions (8):

Labcorp Genetics (formerly Invitae), Labcorp
Classification: Uncertain significance for Hereditary breast ovarian cancer syndrome. Last evaluated: 2025-10-09. Review status: criteria provided, single submitter. Criteria: Invitae Variant Classification Sherloc (09022015). Collection method: clinical testing. Allele origin: germline.
Comment: This sequence change replaces glycine, which is neutral and non-polar, with aspartic acid, which is acidic and polar, at codon 2584 of the BRCA2 protein (p.Gly2584Asp). This variant is present in population databases (rs80359001, gnomAD 0.007%). This missense change has been observed in individual(s) with clinical features of BRCA2-related conditions (PMID: 10923033, 21520333). ClinVar contains an entry for this variant (Variation ID: 52398). Invitae Evidence Modeling incorporating data from in vitro experimental studies (PMID: 33609447) indicates that this missense variant is not expected to disrupt BRCA2 function with a negative predictive value of 95%. Experimental studies have shown that this missense change does not substantially affect BRCA2 function (PMID: 29988080, 33609447). In summary, the available evidence is currently insufficient to determine the role of this variant in disease. Therefore, it has been classified as a Variant of Uncertain Significance.

Color Diagnostics, LLC DBA Color Health
Classification: Likely benign for Hereditary cancer-predisposing syndrome. Last evaluated: 2024-08-19. Review status: criteria provided, single submitter. Criteria: ACMG Guidelines, 2015. Collection method: clinical testing. Allele origin: germline.

Quest Diagnostics Nichols Institute San Juan Capistrano
Classification: Uncertain significance. Last evaluated: 2024-01-04. Review status: criteria provided, single submitter. Criteria: Quest Diagnostics criteria. Collection method: clinical testing. Allele origin: unknown.
Comment: The BRCA2 c.7751G>A (p.Gly2584Asp) variant has been reported in the published literature in functional studies as not damaging to protein function (PMIDs: 29394989 (2018), 29988080 (2018), and 33609447 (2021)). The frequency of this variant in the general population, 0.000004 (1/251428 chromosomes (Genome Aggregation Database)), is uninformative in the assessment of its pathogenicity. Analysis of this variant using bioinformatics tools for the prediction of the effect of amino acid changes on protein structure and function yielded predictions that this variant is damaging. Based on the available information, we are unable to determine the clinical significance of this variant.

Myriad Genetics, Inc.
Classification: Likely benign for Breast-ovarian cancer, familial, susceptibility to, 2. Last evaluated: 2023-08-17. Review status: criteria provided, single submitter. Criteria: Myriad Autosomal Dominant, Autosomal Recessive and X-Linked Classification Criteria (2023). Collection method: clinical testing. Allele origin: unknown.
Comment: This variant is considered likely benign. This variant is strongly associated with less severe personal and family histories of cancer, typical for individuals without pathogenic variants in this gene [PMID: 25085752].

Women's Health and Genetics/Laboratory Corporation of America, LabCorp
Classification: Uncertain significance. Last evaluated: 2022-08-15. Review status: criteria provided, single submitter. Criteria: LabCorp Variant Classification Summary - May 2015. Collection method: clinical testing. Allele origin: germline.
Comment: Variant summary: BRCA2 c.7751G>A (p.Gly2584Asp) results in a non-conservative amino acid change located in the Breast cancer type 2 susceptibility protein, helical domain (IPR015252) of the encoded protein sequence. Five of five in-silico tools predict a damaging effect of the variant on protein function. The variant allele was found at a frequency of 4e-06 in 251428 control chromosomes (gnomAD). The available data on variant occurrences in the general population are insufficient to allow any conclusion about variant significance. To our knowledge, no occurrence of c.7751G>A in individuals affected with Hereditary Breast And Ovarian Cancer Syndrome has been reported. Several independent publications have reported experimental evidence confirming that the variant is functional in vitro. One study using a Brca2-null mouse embryonic stem cell complementation assay showed the variant had 70% of the HDR activity seen in wild-type (Mesman_2018). Others have confirmed the variant retains HDR activity via complementation assays using different BRCA2-null cell lines (Guidugli_2018, Richardson_2021). Three ClinVar submitters have assessed the variant since 2014: two classified the variant as likely benign and one as uncertain significance. Based on the evidence outlined above, the variant was classified as VUS-possibly benign.

GeneDx
Classification: Likely benign. Last evaluated: 2021-04-30. Review status: criteria provided, single submitter. Criteria: GeneDx Variant Classification Process June 2021. Collection method: clinical testing. Allele origin: germline. Affected: yes.
Comment: Not observed at a significant frequency in large population cohorts (Lek et al., 2016); In silico analysis supports that this missense variant does not alter protein structure/function; This variant is associated with the following publications: (PMID: 19043619, 29394989, 29988080, 29884841, 33609447)

Ambry Genetics
Classification: Likely benign for Hereditary cancer-predisposing syndrome. Last evaluated: 2020-02-25. Review status: criteria provided, single submitter. Criteria: Ambry Variant Classification Scheme 2023. Collection method: clinical testing. Allele origin: germline.

Breast Cancer Information Core (BIC) (BRCA2)
Classification: Uncertain significance for Breast-ovarian cancer, familial 2. Review status: no assertion criteria provided. Collection method: clinical testing. Allele origin: germline. Affected: yes. Observed: 1 variant allele. Not counted in ClinVar's aggregate classification.

Literature cited by the submitters: PubMed 10923033 (cited by Labcorp Genetics (formerly Invitae), Labcorp); PubMed 21520333 (cited by Labcorp Genetics (formerly Invitae), Labcorp); PubMed 33609447 (cited by 3 submitters); PubMed 29988080 (cited by 4 submitters); PubMed 29394989 (cited by 3 submitters); PubMed 25085752 (cited by Myriad Genetics, Inc.).